The following is an entry in ClinVar:

NM_001126121.2(SLC25A19):c.939G>T (p.Met313Ile)

Genes: MIF4GD-DT (MIF4GD divergent transcript; plus strand), SLC25A19 (solute carrier family 25 member 19; minus strand). Cytogenetic location: 17q25.1.
Variant type: single nucleotide variant.
Coding change: c.939G>T on transcript NM_001126121.2 (MANE Select); coding-DNA position 939, G replaced by T.
Protein change: p.Met313Ile; replaces methionine 313 with isoleucine.
Molecular consequence: missense variant. On other transcripts: non-coding transcript variant (1).
Genome position (GRCh38, 1-based): chr17:75,273,475, C>A on the plus strand (G>T on the coding strand, the complement: SLC25A19 is on the minus strand). VCF-style: chr17-75273475-C-A. GRCh37 (hg19) VCF-style: chr17-73269556-C-A.
Other names: c.939G>T, p.Met313Ile (NM_001126122.2, NM_021734.5); short protein forms M313I.
Identifiers: ClinVar variation 2005002 (VCV002005002.4), dbSNP rs1567831480, ClinGen allele CA401001037.

ClinVar aggregate classification (germline): Uncertain significance (1 of 4 stars; one submission).

Submission:

Labcorp Genetics (formerly Invitae), Labcorp
Classification: Uncertain significance. Last evaluated: 2022-06-24. Review status: criteria provided, single submitter. Criteria: Invitae Variant Classification Sherloc (09022015). Collection method: clinical testing. Allele origin: germline.
Comment: This sequence change replaces methionine, which is neutral and non-polar, with isoleucine, which is neutral and non-polar, at codon 313 of the SLC25A19 protein (p.Met313Ile). This variant is not present in population databases (gnomAD no frequency). This variant has not been reported in the literature in individuals affected with SLC25A19-related conditions. Algorithms developed to predict the effect of missense changes on protein structure and function output the following: SIFT: "Tolerated"; PolyPhen-2: "Benign"; Align-GVGD: "Class C0". The isoleucine amino acid residue is found in multiple mammalian species, which suggests that this missense change does not adversely affect protein function. In summary, the available evidence is currently insufficient to determine the role of this variant in disease. Therefore, it has been classified as a Variant of Uncertain Significance.